The following is an entry in ClinVar:

ClinVar aggregate classification (germline): Uncertain significance (1 of 4 stars; one submission).

Conditions:
Thrombocytopenia 1. Also called: THROMBOCYTOPENIA, X-LINKED, 1; X-linked thrombocytopenia with normal platelets; X-Linked Thrombocytopenia (XLT). Identifiers: Orphanet 268322, Orphanet 852, MedGen C1839163, MONDO:0010743, OMIM 313900.
Wiskott-Aldrich syndrome (WAS). Also called: ALDRICH SYNDROME; IMMUNODEFICIENCY 2; WISKOTT-ALDRICH SYNDROME 1; Wiskott-aldrich syndrome, somatic. Identifiers: Orphanet 906, MedGen C0043194, MONDO:0010518, OMIM 301000.
X-linked severe congenital neutropenia (SCNX). Identifiers: Orphanet 86788, MedGen C1845987, MONDO:0010294, OMIM 300299.

Submission:

Labcorp Genetics (formerly Invitae), Labcorp
Classification: Uncertain significance for Wiskott-Aldrich syndrome; X-linked severe congenital neutropenia; Thrombocytopenia 1. Last evaluated: 2022-04-12. Review status: criteria provided, single submitter. Criteria: Invitae Variant Classification Sherloc (09022015). Collection method: clinical testing. Allele origin: germline.
Comment: In summary, the available evidence is currently insufficient to determine the role of this variant in disease. Therefore, it has been classified as a Variant of Uncertain Significance. Variants that disrupt the consensus splice site are a relatively common cause of aberrant splicing (PMID: 17576681, 9536098). Algorithms developed to predict the effect of sequence changes on RNA splicing suggest that this variant is not likely to affect RNA splicing. This variant has not been reported in the literature in individuals affected with WAS-related conditions. This variant is not present in population databases (gnomAD no frequency). This sequence change falls in intron 5 of the WAS gene. It does not directly change the encoded amino acid sequence of the WAS protein. It affects a nucleotide within the consensus splice site.

Literature cited by the submitters: PubMed 17576681; PubMed 9536098.

NM_000377.3(WAS):c.505+4A>G

Gene: WAS (WASP actin nucleation promoting factor; plus strand). Cytogenetic location: Xp11.23.
Variant type: single nucleotide variant.
Coding change: c.505+4A>G on transcript NM_000377.3 (MANE Select); 4 bases into the intron after coding-DNA position 505, A replaced by G.
Molecular consequence: intron variant.
Genome position (GRCh38, 1-based): chrX:48,685,991, A>G. VCF-style: chrX-48685991-A-G. GRCh37 (hg19) VCF-style: chrX-48544380-A-G.
Identifiers: ClinVar variation 2100926 (VCV002100926.4), dbSNP rs2519281538, ClinGen allele CA2580101052.